The following is an entry in ClinVar:

NM_005591.4(MRE11):c.652C>T (p.Gln218Ter)

Gene: MRE11 (MRE11 double strand break repair nuclease; minus strand). Cytogenetic location: 11q21.
Variant type: single nucleotide variant.
Coding change: c.652C>T on transcript NM_005591.4 (MANE Select); coding-DNA position 652, C replaced by T.
Protein change: p.Gln218Ter; replaces glutamine 218 with a stop codon.
Molecular consequence: nonsense.
Genome position (GRCh38, 1-based): chr11:94,476,296, G>A on the plus strand (C>T on the coding strand, the complement: MRE11 is on the minus strand). VCF-style: chr11-94476296-G-A. GRCh37 (hg19) VCF-style: chr11-94209462-G-A.
Other names: c.652C>T, p.Gln218Ter (NM_001330347.2, NM_005590.4); short protein forms Q218*.
Identifiers: ClinVar variation 826464 (VCV000826464.5), dbSNP rs1591703044, ClinGen allele CA382376521.

ClinVar aggregate classification (germline): Pathogenic/Likely pathogenic. Review status: criteria provided, multiple submitters, no conflicts (2 of 4 stars). 2 submissions from 2 submitters: Pathogenic (1); Likely pathogenic (1). Last evaluated 2021-09-22.

Conditions:
Hereditary cancer-predisposing syndrome. Also called: Neoplastic Syndromes, Hereditary; Tumor predisposition; Hereditary Cancer Syndrome; Hereditary neoplastic syndrome. Identifiers: Orphanet 140162, MedGen C0027672, MeSH D009386, MONDO:0015356.
MRE11A-related disorders.

Allele frequency attached by ClinVar (database versions not stated): gnomAD exomes below 0.00001.

Submissions (2):

Blueprint Genetics
Classification: Likely pathogenic for MRE11A-related disorders. Last evaluated: 2021-09-22. Review status: criteria provided, single submitter. Criteria: ACMG Guidelines, 2015. Collection method: clinical testing. Allele origin: germline. Affected: yes. Observed: 2 variant alleles.

Ambry Genetics
Classification: Pathogenic for Hereditary cancer-predisposing syndrome. Last evaluated: 2019-08-15. Review status: criteria provided, single submitter. Criteria: Ambry Variant Classification Scheme 2023. Collection method: clinical testing. Allele origin: germline.
Comment: The p.Q218* pathogenic mutation (also known as c.652C>T), located in coding exon 6 of the MRE11A gene, results from a C to T substitution at nucleotide position 652. This changes the amino acid from a glutamine to a stop codon within coding exon 6. This alteration is expected to result in loss of function by premature protein truncation or nonsense-mediated mRNA decay. As such, this alteration is interpreted as a disease-causing mutation.